The following is an entry in ClinVar:

ClinVar aggregate classification (germline): Uncertain significance (1 of 4 stars; one submission).

Submission:

Labcorp Genetics (formerly Invitae), Labcorp
Classification: Uncertain significance. Last evaluated: 2023-09-21. Review status: criteria provided, single submitter. Criteria: Invitae Variant Classification Sherloc (09022015). Collection method: clinical testing. Allele origin: germline.
Comment: This variant has not been reported in the literature in individuals affected with MYO18B-related conditions. In summary, the available evidence is currently insufficient to determine the role of this variant in disease. Therefore, it has been classified as a Variant of Uncertain Significance. An algorithm developed to predict the effect of missense changes on protein structure and function (PolyPhen-2) suggests that this variant is likely to be disruptive. This variant is not present in population databases (gnomAD no frequency). This sequence change replaces valine, which is neutral and non-polar, with methionine, which is neutral and non-polar, at codon 1993 of the MYO18B protein (p.Val1993Met).

NM_032608.7(MYO18B):c.5977G>A (p.Val1993Met)

Gene: MYO18B (myosin XVIIIB; plus strand). Cytogenetic location: 22q12.1.
Variant type: single nucleotide variant.
Coding change: c.5977G>A on transcript NM_032608.7 (MANE Select); coding-DNA position 5977, G replaced by A.
Protein change: p.Val1993Met; replaces valine 1993 with methionine.
Molecular consequence: missense variant.
Genome position (GRCh38, 1-based): chr22:25,955,185, G>A. VCF-style: chr22-25955185-G-A. GRCh37 (hg19) VCF-style: chr22-26351151-G-A.
Other names: c.5980G>A, p.Val1994Met (NM_001318245.2); short protein forms V1994M, V1993M.
Identifiers: ClinVar variation 2762456 (VCV002762456.3), dbSNP rs2518112902, ClinGen allele CA411008881.
Genomic context (GRCh38, chr22:25,955,185, plus strand): 5'-TTCATACCCCTGGCCTCCAACTCCAAGGTGGGCATGTGTCTCTGCCCCTCCCAGGTCCTG[G>A]TGATCCGGCTTCGGGACAGCCTGATCAAGATGGGGGAGGAGCTTTCACAGGCGGCCACCT-3'
Protein context (NP_115997.5, residues 1983-2003): KVQIKRFEVL[Val1993Met]IRLRDSLIKM